The following is an entry in ClinVar:

NM_000203.5(IDUA):c.1467C>T (p.Arg489=)

Gene: IDUA (alpha-L-iduronidase; plus strand). Cytogenetic location: 4p16.3.
Variant type: single nucleotide variant.
Coding change: c.1467C>T on transcript NM_000203.5 (MANE Select); coding-DNA position 1467, C replaced by T.
Protein change: p.Arg489=; no amino-acid change (arginine 489 retained).
Molecular consequence: synonymous variant. On other transcripts: non-coding transcript variant (1).
Genome position (GRCh38, 1-based): chr4:1,003,100, C>T. VCF-style: chr4-1003100-C-T. GRCh37 (hg19) VCF-style: chr4-996888-C-T.
Other names: NM_000203.5(IDUA):c.1467C>T; p.Arg489=; c.1071C>T, p.Arg357= (NM_001363576.1).
Identifiers: ClinVar variation 92632 (VCV000092632.32), dbSNP rs115929690, ClinGen allele CA145874.

ClinVar aggregate classification (germline): Benign. Review status: reviewed by expert panel (3 of 4 stars). 14 submissions from 14 submitters: Benign (1). 13 of the submissions do not count toward it. Last evaluated 2024-12-06.

Conditions:
Hurler syndrome. Also called: Gargoylism, Hurler Syndrome; MUCOPOLYSACCHARIDOSIS TYPE IH; Severe MPS I (Hurler Syndrome). Identifiers: Orphanet 93473, MedGen C0086795, MONDO:0011758, OMIM 607014.
Mucopolysaccharidosis type 1. Also called: IDUA deficiency; MPS I; Mucopolysaccharidosis Type I. Identifiers: Orphanet 579, MedGen C0023786, MONDO:0001586.

Allele frequency attached by ClinVar (database versions not stated): ESP Exome Variant Server 0.14938; gnomAD exomes 0.16031 and 0.17385; gnomAD 0.16835 and 0.17199; TOPMed 0.16944; 1000 Genomes Project 30x 0.21549; 1000 Genomes Project 0.21825; ExAC 0.26539.
gnomAD v4.1: 245,017 of 1,514,776 alleles (16%); highest among the groups gnomAD compares: South Asian, 29%; 21,380 homozygotes.

Submissions (14):

ClinGen Lysosomal Storage Disorder Variant Curation Expert Panel
Classification: Benign for Mucopolysaccharidosis type 1. Last evaluated: 2024-12-06. Review status: reviewed by expert panel. Criteria: ClinGen LSD ACMG Specifications IDUA V1.0.0. Collection method: curation. Allele origin: germline. Inheritance: Autosomal recessive inheritance.
Comment: The NM_000203.5:c.1467C>T variant in IDUA is a synonymous (silent) variant (p.Arg489=). The highest population minor allele frequency in gnomAD v4.1.0 is 0.2948 (23904/81086 alleles; 3762 homozygotes; Grpmax Filtering AF 95% confidence = 0.2917) in the South Asian population, which is higher than the ClinGen Lysosomal Diseases VCEP’s threshold for BA1 (>0.005), and therefore meets this criterion (BA1). There is a ClinVar entry for this variant (Variation ID: 92632). In summary, this variant meets the criteria to be classified as benign for mucopolysaccharidosis type 1. IDUA-specific ACMG/AMP criteria applied, as specified by the ClinGen Lysosomal Disorders Variant Curation Expert Panel (Specifications Version 1.0.0): BA1. (Classification approved by the ClinGen Lysosomal Diseases Variant Curation Expert Panel on December 6, 2024)

Labcorp Genetics (formerly Invitae), Labcorp
Classification: Benign for Mucopolysaccharidosis type 1. Last evaluated: 2026-02-04. Review status: criteria provided, single submitter. Criteria: Invitae Variant Classification Sherloc (09022015). Collection method: clinical testing. Allele origin: germline. Not counted in ClinVar's aggregate classification.

Blueprint Genetics
Classification: Benign. Last evaluated: 2024-11-26. Review status: criteria provided, single submitter. Criteria: ACMG Guidelines, 2015. Collection method: clinical testing. Allele origin: germline. Not counted in ClinVar's aggregate classification.

Genomic Medicine Center of Excellence, King Faisal Specialist Hospital and Research Centre
Classification: Benign for Hurler syndrome. Last evaluated: 2024-04-04. Review status: criteria provided, single submitter. Criteria: ACMG Guidelines, 2015. Collection method: clinical testing. Allele origin: germline. Not counted in ClinVar's aggregate classification.

GeneDx
Classification: Benign. Last evaluated: 2018-07-05. Review status: criteria provided, single submitter. Criteria: GeneDx Variant Classification Process June 2021. Collection method: clinical testing. Allele origin: germline. Affected: yes. Not counted in ClinVar's aggregate classification.

Illumina Laboratory Services, Illumina
Classification: Benign for Mucopolysaccharidosis type 1. Last evaluated: 2018-01-12. Review status: criteria provided, single submitter. Criteria: ICSL Variant Classification Criteria 13 December 2019. Collection method: clinical testing. Allele origin: germline. Not counted in ClinVar's aggregate classification.
Comment: This variant was observed in the ICSL laboratory as part of a predisposition screen in an ostensibly healthy population. It had not been previously curated by ICSL or reported in the Human Gene Mutation Database (HGMD: prior to June 1st, 2018), and was therefore a candidate for classification through an automated scoring system. Utilizing variant allele frequency, disease prevalence and penetrance estimates, and inheritance mode, an automated score was calculated to assess if this variant is too frequent to cause the disease. Based on the score and internal cut-off values, a variant classified as benign is not then subjected to further curation. The score for this variant resulted in a classification of benign for this disease.

Eurofins Ntd Llc (ga)
Classification: Benign. Last evaluated: 2017-11-02. Review status: criteria provided, single submitter. Criteria: EGL Classification Definitions 2015. Collection method: clinical testing. Allele origin: germline. Observed: 35 variant alleles, 29 heterozygotes, 6 homozygotes. Not counted in ClinVar's aggregate classification.

Breakthrough Genomics
Classification: Benign. Review status: criteria provided, single submitter. Criteria: ACMG Guidelines, 2015. Collection method: not provided. Allele origin: germline. Inheritance: Autosomal recessive inheritance. Affected: yes. Not counted in ClinVar's aggregate classification.

PreventionGenetics, part of Exact Sciences
Classification: Benign. Review status: criteria provided, single submitter. Criteria: ACMG Guidelines, 2015. Collection method: clinical testing. Allele origin: germline. Not counted in ClinVar's aggregate classification.

Natera, Inc.
Classification: Benign for Mucopolysaccharidosis type I. Last evaluated: 2017-05-11. Review status: no assertion criteria provided. Collection method: clinical testing. Allele origin: germline. Not counted in ClinVar's aggregate classification.

Mayo Clinic Laboratories, Mayo Clinic
Classification: Benign. Last evaluated: 2016-01-29. Review status: no assertion criteria provided. Collection method: clinical testing. Allele origin: unknown. Not counted in ClinVar's aggregate classification.

Clinical Genetics DNA and cytogenetics Diagnostics Lab, Erasmus MC, Erasmus Medical Center
Classification: Benign. Review status: no assertion criteria provided. Collection method: clinical testing. Allele origin: germline. Affected: yes. Study: VKGL Data-share Consensus. Not counted in ClinVar's aggregate classification.

Clinical Genetics, Academic Medical Center
Classification: Benign. Review status: no assertion criteria provided. Collection method: clinical testing. Allele origin: germline. Affected: yes. Study: VKGL Data-share Consensus. Not counted in ClinVar's aggregate classification.

Diagnostic Laboratory, Department of Genetics, University Medical Center Groningen
Classification: Benign. Review status: no assertion criteria provided. Collection method: clinical testing. Allele origin: germline. Affected: yes. Study: VKGL Data-share Consensus. Not counted in ClinVar's aggregate classification.